The following is an entry in ClinVar:

ClinVar aggregate classification (germline): Uncertain significance. Review status: criteria provided, multiple submitters, no conflicts (2 of 4 stars). 2 submissions from 2 submitters: Uncertain significance (2). Last evaluated 2025-08-30.

Conditions:
Retinoblastoma (RB1). Also called: RETINOBLASTOMA, SOMATIC. Identifiers: Orphanet 790, MedGen C0035335, MeSH D012175, MONDO:0008380, OMIM 180200, HP:0009919. Disease mechanism: loss of function. Inheritance: Both sporadic and heritable forms are tested..
Hereditary cancer-predisposing syndrome. Also called: Neoplastic Syndromes, Hereditary; Hereditary Cancer Syndrome; Tumor predisposition; Hereditary neoplastic syndrome. Identifiers: Orphanet 140162, MedGen C0027672, MeSH D009386, MONDO:0015356.

Submissions (2):

Labcorp Genetics (formerly Invitae), Labcorp
Classification: Uncertain significance for Retinoblastoma. Last evaluated: 2025-08-30. Review status: criteria provided, single submitter. Criteria: Invitae Variant Classification Sherloc (09022015). Collection method: clinical testing. Allele origin: germline.
Comment: This sequence change replaces serine, which is neutral and polar, with phenylalanine, which is neutral and non-polar, at codon 671 of the RB1 protein (p.Ser671Phe). This variant is not present in population databases (gnomAD no frequency). This variant has not been reported in the literature in individuals affected with RB1-related conditions. ClinVar contains an entry for this variant (Variation ID: 3787293). Invitae Evidence Modeling of protein sequence and biophysical properties (such as structural, functional, and spatial information, amino acid conservation, physicochemical variation, residue mobility, and thermodynamic stability) indicates that this missense variant is not expected to disrupt RB1 protein function with a negative predictive value of 80%. Experimental studies have shown that this missense change affects RB1 function (PMID: 39938803). In summary, the available evidence is currently insufficient to determine the role of this variant in disease. Therefore, it has been classified as a Variant of Uncertain Significance.

Ambry Genetics
Classification: Uncertain significance for Hereditary cancer-predisposing syndrome. Last evaluated: 2025-02-23. Review status: criteria provided, single submitter. Criteria: Ambry Variant Classification Scheme 2023. Collection method: clinical testing. Allele origin: germline.
Comment: The p.S671F variant (also known as c.2012C>T), located in coding exon 20 of the RB1 gene, results from a C to T substitution at nucleotide position 2012. The serine at codon 671 is replaced by phenylalanine, an amino acid with highly dissimilar properties. This amino acid position is conserved. In addition, the in silico prediction for this alteration is inconclusive. Based on the available evidence, the clinical significance of this variant remains unclear.

Literature cited by the submitters: PubMed 39938803 (cited by Labcorp Genetics (formerly Invitae), Labcorp).

NM_000321.3(RB1):c.2012C>T (p.Ser671Phe)

Gene: RB1 (RB transcriptional corepressor 1; plus strand). Cytogenetic location: 13q14.2.
Variant type: single nucleotide variant.
Coding change: c.2012C>T on transcript NM_000321.3 (MANE Select); coding-DNA position 2012, C replaced by T.
Protein change: p.Ser671Phe; replaces serine 671 with phenylalanine.
Molecular consequence: missense variant.
Genome position (GRCh38, 1-based): chr13:48,459,739, C>T. VCF-style: chr13-48459739-C-T. GRCh37 (hg19) VCF-style: chr13-49033875-C-T.
Other names: c.2012C>T, p.Ser671Phe (NM_001407165.1); short protein forms S671F.
Identifiers: ClinVar variation 3787293 (VCV003787293.2).
Genomic context (GRCh38, chr13:48,459,739, plus strand): 5'-TTCCCACAGTGTATCGGCTAGCCTATCTCCGGCTAAATACACTTTGTGAACGCCTTCTGT[C>T]TGAGCACCCAGAATTAGAACATATCATCTGGACCCTTTTCCAGCACACCCTGCAGAATGA-3'
Protein context (NP_000312.2, residues 661-681): RLNTLCERLL[Ser671Phe]EHPELEHIIW